The following is an entry in ClinVar:

NM_016247.4(IMPG2):c.2258C>T (p.Ser753Leu)

Gene: IMPG2 (interphotoreceptor matrix proteoglycan 2; minus strand). Cytogenetic location: 3q12.3.
Variant type: single nucleotide variant.
Coding change: c.2258C>T on transcript NM_016247.4 (MANE Select); coding-DNA position 2258, C replaced by T.
Protein change: p.Ser753Leu; replaces serine 753 with leucine.
Molecular consequence: missense variant.
Genome position (GRCh38, 1-based): chr3:101,244,073, G>A on the plus strand (C>T on the coding strand, the complement: IMPG2 is on the minus strand). VCF-style: chr3-101244073-G-A. GRCh37 (hg19) VCF-style: chr3-100962917-G-A.
Other names: short protein forms S753L.
Identifiers: ClinVar variation 809519 (VCV000809519.46), dbSNP rs200818740, ClinGen allele CA2519009.

ClinVar aggregate classification (germline): Conflicting classifications of pathogenicity. Review status: criteria provided, conflicting classifications (1 of 4 stars). 4 submissions from 4 submitters: Uncertain significance (2); Likely benign (2). Last evaluated 2026-07-14.

Conditions:
IMPG2-related disorder. Also called: IMPG2-related condition.

Allele frequency attached by ClinVar (database versions not stated): ESP Exome Variant Server 0.00008; TOPMed 0.00015; 1000 Genomes Project 30x 0.00016; gnomAD 0.00016 and 0.00021; 1000 Genomes Project 0.00020; gnomAD exomes 0.00030 and 0.00035; ExAC 0.00034.
gnomAD v4.1: 479 of 1,613,966 alleles (0.03%); highest among the groups gnomAD compares: Middle Eastern, 0.28%; 3 homozygotes.

Submissions (4):

PreventionGenetics, part of Exact Sciences
Classification: Uncertain significance for IMPG2-related condition. Last evaluated: 2026-07-14. Review status: criteria provided, single submitter. Criteria: ACMG Guidelines, 2015. Collection method: clinical testing. Allele origin: germline.
Comment: The IMPG2 c.2258C>T variant is predicted to result in the amino acid substitution p.Ser753Leu. To our knowledge, this variant has not been reported in the literature. This variant is reported in 0.11% of alleles in individuals of South Asian descent in gnomAD, which may be too frequent to be a primary cause of disease. Although we suspect that this variant may be benign, at this time, the clinical significance of this variant is uncertain due to the absence of conclusive functional and genetic evidence.

CeGaT Center for Human Genetics Tuebingen
Classification: Likely benign. Last evaluated: 2026-06-01. Review status: criteria provided, single submitter. Criteria: CeGaT Center For Human Genetics Tuebingen Variant Classification Criteria Version 2. Collection method: clinical testing. Allele origin: germline. Affected: yes. Observed: 4 variant alleles.
Comment: IMPG2: BP4

Blueprint Genetics
Classification: Likely benign. Last evaluated: 2024-11-01. Review status: criteria provided, single submitter. Criteria: ACMG Guidelines, 2015. Collection method: clinical testing. Allele origin: germline.

Labcorp Genetics (formerly Invitae), Labcorp
Classification: Uncertain significance. Last evaluated: 2022-10-25. Review status: criteria provided, single submitter. Criteria: Invitae Variant Classification Sherloc (09022015). Collection method: clinical testing. Allele origin: germline.
Comment: This sequence change replaces serine, which is neutral and polar, with leucine, which is neutral and non-polar, at codon 753 of the IMPG2 protein (p.Ser753Leu). This variant is present in population databases (rs200818740, gnomAD 0.1%). This variant has not been reported in the literature in individuals affected with IMPG2-related conditions. ClinVar contains an entry for this variant (Variation ID: 809519). Advanced modeling of protein sequence and biophysical properties (such as structural, functional, and spatial information, amino acid conservation, physicochemical variation, residue mobility, and thermodynamic stability) performed at Invitae indicates that this missense variant is not expected to disrupt IMPG2 protein function. In summary, the available evidence is currently insufficient to determine the role of this variant in disease. Therefore, it has been classified as a Variant of Uncertain Significance.